The following is an entry in ClinVar:

ClinVar aggregate classification (germline): Likely benign. Review status: criteria provided, multiple submitters, no conflicts (2 of 4 stars). 3 submissions from 3 submitters: Likely benign (3). Last evaluated 2026-06-19.

Conditions:
MYBPC3-related disorder. Also called: MYBPC3-related condition; MYBPC3-related disease; MYBPC3-related disorders.
Hypertrophic cardiomyopathy. Also called: HYPERTROPHIC MYOCARDIOPATHY. Identifiers: Orphanet 217569, MedGen C0007194, MeSH D002312, MONDO:0005045, HP:0001639.

Allele frequency attached by ClinVar (database versions not stated): gnomAD exomes below 0.00001; ExAC 0.00001; gnomAD 0.00001.
gnomAD v4.1: 2 of 1,604,302 alleles (0.00012%); highest among the groups gnomAD compares: Admixed American, 0.0017%; no homozygotes.

Submissions (3):

PreventionGenetics, part of Exact Sciences
Classification: Likely benign for MYBPC3-related condition. Last evaluated: 2026-06-19. Review status: criteria provided, single submitter. Criteria: ACMG Guidelines, 2015. Collection method: clinical testing. Allele origin: germline.
Comment: This variant is classified as likely benign based on ACMG/AMP sequence variant interpretation guidelines (Richards et al. 2015 PMID: 25741868, with internal and published modifications).

Labcorp Genetics (formerly Invitae), Labcorp
Classification: Likely benign for Hypertrophic cardiomyopathy. Last evaluated: 2025-10-26. Review status: criteria provided, single submitter. Criteria: Invitae Variant Classification Sherloc (09022015). Collection method: clinical testing. Allele origin: germline.

Blueprint Genetics
Classification: Likely benign. Last evaluated: 2024-10-03. Review status: criteria provided, single submitter. Criteria: ACMG Guidelines, 2015. Collection method: clinical testing. Allele origin: germline.

NM_000256.3(MYBPC3):c.3628-31G>C

Gene: MYBPC3 (myosin binding protein C3; minus strand). Cytogenetic location: 11p11.2.
Variant type: single nucleotide variant.
Coding change: c.3628-31G>C on transcript NM_000256.3 (MANE Select); 31 bases into the intron before coding-DNA position 3628, G replaced by C.
Molecular consequence: intron variant.
Genome position (GRCh38, 1-based): chr11:47,332,289, C>G on the plus strand (G>C on the coding strand, the complement: MYBPC3 is on the minus strand). VCF-style: chr11-47332289-C-G. GRCh37 (hg19) VCF-style: chr11-47353840-C-G.
Identifiers: ClinVar variation 704880 (VCV000704880.12), dbSNP rs760626322, ClinGen allele CA079467.